The following is an entry in ClinVar:

ClinVar aggregate classification (germline): Pathogenic (1 of 4 stars; one submission).

Conditions:
Marfan syndrome (MFS). Also called: Marfan syndrome type 1; Marfan's syndrome; FBN1-Related Marfan Syndrome; MARFAN SYNDROME, TYPE I; Marfan syndrome, classic. Identifiers: Orphanet 284963, Orphanet 558, MedGen C0024796, MONDO:0007947, OMIM 154700.

Submission:

Centre of Medical Genetics, University of Antwerp
Classification: Pathogenic for Marfan syndrome. Last evaluated: 2021-03-01. Review status: criteria provided, single submitter. Criteria: Submitter's publication. Collection method: research. Allele origin: unknown. Affected: yes.
Comment: PM2, PVS1, PP4

NM_000138.5(FBN1):c.2875_2908dup (p.Pro970fs)

Gene: FBN1 (fibrillin 1; minus strand). Cytogenetic location: 15q21.1.
Variant type: Duplication.
Coding change: c.2875_2908dup on transcript NM_000138.5 (MANE Select); coding-DNA positions 2875 to 2908, 34 bases duplicated.
Protein change: p.Pro970fs; shifts the reading frame from proline 970.
Molecular consequence: frameshift variant.
Genome position (GRCh38, 1-based): chr15:48,490,025-48,490,058, 34 bases duplicated; duplicating any 34 consecutive bases within chr15:48,490,025-48,490,063 gives the same sequence; the c. name uses the placement nearest the transcript's 3' end. GRCh37 (hg19): chr15:48,782,227-48,782,260.
Other names: c.2875_2908dup, p.Pro970fs (NM_001406716.1); short protein forms P970fs.
Identifiers: ClinVar variation 1325488 (VCV001325488.2), dbSNP rs2141297440, ClinGen allele CA2573150774.
Genomic context (GRCh38, chr15:48,490,024, plus strand): 5'-GTACCCCAGGCTGCCCCGACGGAGCAGCAGCAGGCGTCCATGCGGTGGCGGCCAGCAATA[G>GGCAGGGTGCACTCCTCGTCCTCGTACCTCAGGAA]GCAGGGTGCACTCCTCGTCCTCGTACCTCAGGAAGCAGGTTTCCAGGCGGATATCTGTCA-3'